The following is an entry in ClinVar:

NM_000195.5(HPS1):c.1970G>A (p.Arg657His)

Gene: HPS1 (HPS1 biogenesis of lysosomal organelles complex 3 subunit 1; minus strand). Cytogenetic location: 10q24.2.
Variant type: single nucleotide variant.
Coding change: c.1970G>A on transcript NM_000195.5 (MANE Select); coding-DNA position 1970, G replaced by A.
Protein change: p.Arg657His; replaces arginine 657 with histidine.
Molecular consequence: missense variant.
Genome position (GRCh38, 1-based): chr10:98,417,697, C>T on the plus strand (G>A on the coding strand, the complement: HPS1 is on the minus strand). VCF-style: chr10-98417697-C-T. GRCh37 (hg19) VCF-style: chr10-100177454-C-T.
Other names: c.998G>A, p.Arg333His (NM_001311345.2, NM_001322487.2, NM_001322489.2); c.1970G>A, p.Arg657His (NM_001322476.2, NM_001322477.2); c.1871G>A, p.Arg624His (NM_001322478.2, NM_001322479.2); c.1709G>A, p.Arg570His (NM_001322480.2, NM_001322481.2); c.1610G>A, p.Arg537His (NM_001322482.2); c.1601G>A, p.Arg534His (NM_001322483.2, NM_001322484.2); c.1502G>A, p.Arg501His (NM_001322485.2); c.1970G>A (NM_000195.3); short protein forms R534H, R537H, R657H, R333H, R570H, R501H, R624H.
Identifiers: ClinVar variation 2059855 (VCV002059855.3), dbSNP rs143323128, ClinGen allele CA5638810.

ClinVar aggregate classification (germline): Conflicting classifications of pathogenicity. Review status: criteria provided, conflicting classifications (1 of 4 stars). 3 submissions from 3 submitters: Uncertain significance (2); Likely benign (1). Last evaluated 2025-05-16.

Conditions:
Inborn genetic diseases. Identifiers: MedGen C0950123, MeSH D030342.
Hermansky-Pudlak syndrome 1 (HPS1). Also called: DELTA STORAGE POOL DISEASE. Identifiers: Orphanet 231500, Orphanet 79430, MedGen C2931875, MONDO:0008748, OMIM 203300.

Allele frequency attached by ClinVar (database versions not stated): gnomAD 0.00001; TOPMed 0.00002; ExAC 0.00003; gnomAD exomes 0.00007; ESP Exome Variant Server 0.00023.
gnomAD v4.1: 97 of 1,613,666 alleles (0.006%); highest among the groups gnomAD compares: Non-Finnish European, 0.0075%; no homozygotes.

Submissions (3):

Ambry Genetics
Classification: Likely benign for Inborn genetic diseases. Last evaluated: 2025-05-16. Review status: criteria provided, single submitter. Criteria: Ambry Variant Classification Scheme 2023. Collection method: clinical testing. Allele origin: germline.

Fulgent Genetics
Classification: Uncertain significance for Hermansky-Pudlak syndrome 1. Last evaluated: 2024-03-05. Review status: criteria provided, single submitter. Criteria: ACMG Guidelines, 2015. Collection method: clinical testing. Allele origin: germline.

Labcorp Genetics (formerly Invitae), Labcorp
Classification: Uncertain significance. Last evaluated: 2022-04-10. Review status: criteria provided, single submitter. Criteria: Invitae Variant Classification Sherloc (09022015). Collection method: clinical testing. Allele origin: germline.
Comment: This sequence change replaces arginine, which is basic and polar, with histidine, which is basic and polar, at codon 657 of the HPS1 protein (p.Arg657His). This variant is present in population databases (rs143323128, gnomAD 0.01%). This variant has not been reported in the literature in individuals affected with HPS1-related conditions. Algorithms developed to predict the effect of missense changes on protein structure and function output the following: SIFT: "Tolerated"; PolyPhen-2: "Benign"; Align-GVGD: "Class C0". The histidine amino acid residue is found in multiple mammalian species, which suggests that this missense change does not adversely affect protein function. In summary, the available evidence is currently insufficient to determine the role of this variant in disease. Therefore, it has been classified as a Variant of Uncertain Significance.